The following is an entry in ClinVar:

ClinVar aggregate classification (germline): Uncertain significance. Review status: criteria provided, multiple submitters, no conflicts (2 of 4 stars). 2 submissions from 2 submitters: Uncertain significance (2). Last evaluated 2023-05-20.

Conditions:
Neurodevelopmental disorder with or without early-onset generalized epilepsy. Identifiers: MedGen C5436914, MONDO:0030930, OMIM 619157.

gnomAD v4.1: 6 of 1,613,448 alleles (0.00037%); highest among the groups gnomAD compares: South Asian, 0.0055%; no homozygotes.

Submissions (2):

Neuberg Centre For Genomic Medicine, NCGM
Classification: Uncertain significance for Neurodevelopmental disorder with or without early-onset generalized epilepsy. Last evaluated: 2023-05-20. Review status: criteria provided, single submitter. Criteria: ACMG Guidelines, 2015. Collection method: clinical testing. Allele origin: germline. Inheritance: Autosomal dominant inheritance. Affected: yes.
Comment: The missense variant c.3272A>C (p.Glu1091Ala) in NBEA gene has not been reported previously as a pathogenic variant nor as a benign variant, to our knowledge. This variant is absent in the gnomAD Exomes. The amino acid Glutamine at position 1091 is changed to a Alanine changing protein sequence and it might alter its composition and physico-chemical properties. Multiple lines of computational evidence (SIFT - Damaging and MutationTaster - Disease causing) predict a damaging effect on protein structure and function for this variant. The amino acid change p.Glu1091Ala in NBEA is predicted as conserved by GERP++ and PhyloP across 100 vertebrates. For these reasons, this variant has been classified as Uncertain Significance.

Blueprint Genetics
Classification: Uncertain significance. Last evaluated: 2022-06-24. Review status: criteria provided, single submitter. Criteria: ACMG Guidelines, 2015. Collection method: clinical testing. Allele origin: germline.

NM_001385012.1(NBEA):c.3272A>C (p.Glu1091Ala)

Gene: NBEA (neurobeachin; plus strand). Cytogenetic location: 13q13.3.
Variant type: single nucleotide variant.
Coding change: c.3272A>C on transcript NM_001385012.1 (MANE Select); coding-DNA position 3272, A replaced by C.
Protein change: p.Glu1091Ala; replaces glutamic acid 1091 with alanine.
Molecular consequence: missense variant.
Genome position (GRCh38, 1-based): chr13:35,159,443, A>C. VCF-style: chr13-35159443-A-C. GRCh37 (hg19) VCF-style: chr13-35733580-A-C.
Other names: c.3272A>C, p.Glu1091Ala (NM_001379245.1, NM_015678.5); short protein forms E1091A.
Identifiers: ClinVar variation 3362362 (VCV003362362.4).